The following is an entry in ClinVar:

NM_001111125.3(IQSEC2):c.2857G>A (p.Ala953Thr)

Gene: IQSEC2 (IQ motif and Sec7 domain ArfGEF 2; minus strand). Cytogenetic location: Xp11.22.
Variant type: single nucleotide variant.
Coding change: c.2857G>A on transcript NM_001111125.3 (MANE Select); coding-DNA position 2857, G replaced by A.
Protein change: p.Ala953Thr; replaces alanine 953 with threonine.
Molecular consequence: missense variant.
Genome position (GRCh38, 1-based): chrX:53,243,364, C>T on the plus strand (G>A on the coding strand, the complement: IQSEC2 is on the minus strand). VCF-style: chrX-53243364-C-T. GRCh37 (hg19) VCF-style: chrX-53272546-C-T.
Other names: p.(Ala953Thr); c.2242G>A, p.Ala748Thr (NM_015075.2); short protein forms A748T, A953T.
Identifiers: ClinVar variation 1321155 (VCV001321155.5), dbSNP rs1556861324, ClinGen allele CA413153555.

ClinVar aggregate classification (germline): Uncertain significance. Review status: criteria provided, single submitter (1 of 4 stars). 2 submissions from 2 submitters: Uncertain significance (1). 1 of the submissions does not count toward it. Last evaluated 2023-06-27.

Conditions:
Intellectual developmental disorder, X-linked 1. Also called: Atkin Flaitz Patil Smith syndrome; MENTAL RETARDATION, X-LINKED 18; MENTAL RETARDATION, X-LINKED 78; Intellectual disability, X-linked 1. Identifiers: Orphanet 777, MedGen C2931498, MONDO:0010656, OMIM 309530.

Allele frequency attached by ClinVar (database versions not stated): gnomAD exomes below 0.00001.
gnomAD v4.1: 1 of 1,167,444 alleles (0.000086%); highest among the groups gnomAD compares: East Asian, 0.0033%; no homozygotes.

Submissions (2):

Labcorp Genetics (formerly Invitae), Labcorp
Classification: Uncertain significance for Intellectual developmental disorder, X-linked 1. Last evaluated: 2023-06-27. Review status: criteria provided, single submitter. Criteria: Invitae Variant Classification Sherloc (09022015). Collection method: clinical testing. Allele origin: germline.
Comment: In summary, the available evidence is currently insufficient to determine the role of this variant in disease. Therefore, it has been classified as a Variant of Uncertain Significance. Advanced modeling of protein sequence and biophysical properties (such as structural, functional, and spatial information, amino acid conservation, physicochemical variation, residue mobility, and thermodynamic stability) performed at Invitae indicates that this missense variant is not expected to disrupt IQSEC2 protein function. ClinVar contains an entry for this variant (Variation ID: 1321155). This missense change has been observed in individual(s) with X-linked intellectual disability (PMID: 35347702). The frequency data for this variant in the population databases is considered unreliable, as metrics indicate poor data quality at this position in the gnomAD database. This sequence change replaces alanine, which is neutral and non-polar, with threonine, which is neutral and polar, at codon 953 of the IQSEC2 protein (p.Ala953Thr).

Hunter Genetics General Clinical Genetics Service, Hunter Genetics
Classification: Uncertain significance for Intellectual developmental disorder, X-linked 1. Last evaluated: 2021-11-09. Review status: no assertion criteria provided. Collection method: clinical testing. Allele origin: unknown. Inheritance: Sporadic. Affected: yes. Observed: 1 hemizygote. Not counted in ClinVar's aggregate classification.
Comment: parental testing could not be done

Literature cited by the submitters: PubMed 35347702 (cited by Labcorp Genetics (formerly Invitae), Labcorp).